The following is an entry in ClinVar:

NM_000182.5(HADHA):c.1369A>G (p.Arg457Gly)

Genes: GAREM2 (GRB2 associated regulator of MAPK1 subtype 2; plus strand), HADHA (hydroxyacyl-CoA dehydrogenase trifunctional multienzyme complex subunit alpha; minus strand). Cytogenetic location: 2p23.3.
Variant type: single nucleotide variant.
Coding change: c.1369A>G on transcript NM_000182.5 (MANE Select); coding-DNA position 1369, A replaced by G.
Protein change: p.Arg457Gly; replaces arginine 457 with glycine.
Molecular consequence: missense variant.
Genome position (GRCh38, 1-based): chr2:26,201,172, T>C on the plus strand (A>G on the coding strand, the complement: HADHA is on the minus strand). VCF-style: chr2-26201172-T-C. GRCh37 (hg19) VCF-style: chr2-26424041-T-C.
Other names: short protein forms R457G.
Identifiers: ClinVar variation 4076712 (VCV004076712.1).

ClinVar aggregate classification (germline): Uncertain significance (1 of 4 stars; one submission).

gnomAD v4.1: 1 of 1,613,322 alleles (0.000062%); highest among the groups gnomAD compares: South Asian, 0.0011%; no homozygotes.

Submission:

GeneDx
Classification: Uncertain significance. Last evaluated: 2025-02-20. Review status: criteria provided, single submitter. Criteria: GeneDx Variant Classification Process June 2021. Collection method: clinical testing. Allele origin: germline. Affected: yes.
Comment: Not observed at significant frequency in large population cohorts (gnomAD); In silico analysis supports that this missense variant has a deleterious effect on protein structure/function; Has not been previously published as pathogenic or benign to our knowledge